The following is an entry in ClinVar:

ClinVar aggregate classification (germline): Uncertain significance (1 of 4 stars; one submission).

Submission:

GeneDx
Classification: Uncertain significance. Last evaluated: 2024-01-25. Review status: criteria provided, single submitter. Criteria: GeneDx Variant Classification Process June 2021. Collection method: clinical testing. Allele origin: germline. Affected: yes.
Comment: Not observed at significant frequency in large population cohorts (gnomAD); In silico analysis supports that this missense variant has a deleterious effect on protein structure/function; Has not been previously published as pathogenic or benign to our knowledge; Variants in candidate genes are classified as variants of uncertain significance in accordance with ACMG guidelines (PMID: 25741868)

NM_014974.3(DIP2C):c.1298G>C (p.Ser433Thr)

Gene: DIP2C (disco interacting protein 2 homolog C; minus strand). Cytogenetic location: 10p15.3.
Variant type: single nucleotide variant.
Coding change: c.1298G>C on transcript NM_014974.3 (MANE Select); coding-DNA position 1298, G replaced by C.
Protein change: p.Ser433Thr; replaces serine 433 with threonine.
Molecular consequence: missense variant.
Genome position (GRCh38, 1-based): chr10:390,826, C>G on the plus strand (G>C on the coding strand, the complement: DIP2C is on the minus strand). VCF-style: chr10-390826-C-G. GRCh37 (hg19) VCF-style: chr10-436766-C-G.
Other names: short protein forms S433T.
Identifiers: ClinVar variation 3367843 (VCV003367843.1).